The following is an entry in ClinVar:

NM_182961.4(SYNE1):c.1186C>G (p.Leu396Val)

Gene: SYNE1 (spectrin repeat containing nuclear envelope protein 1; minus strand). Cytogenetic location: 6q25.2.
Variant type: single nucleotide variant.
Coding change: c.1186C>G on transcript NM_182961.4 (MANE Select); coding-DNA position 1186, C replaced by G.
Protein change: p.Leu396Val; replaces leucine 396 with valine.
Molecular consequence: missense variant.
Genome position (GRCh38, 1-based): chr6:152,483,249, G>C on the plus strand (C>G on the coding strand, the complement: SYNE1 is on the minus strand). VCF-style: chr6-152483249-G-C. GRCh37 (hg19) VCF-style: chr6-152804384-G-C.
Other names: c.1207C>G (NM_033071.3); c.1207C>G, p.Leu403Val (NM_033071.5); c.1186C>G (NM_182961.2); short protein forms L396V, L403V.
Identifiers: ClinVar variation 290181 (VCV000290181.16), dbSNP rs138350962, ClinGen allele CA4059488.
Genomic context (GRCh38, chr6:152,483,249, plus strand): 5'-CACCTATGGTGCCCAGAGGTGCAGGAAGAGATTTATCAAGCTGTATATGCCAGTCAAAGA[G>C]CTAAAATTTAAAAAGCAGAAAAGTAAAATATCTTTAATACAGATGGCAATTTATAAAATT-3'
Protein context (NP_892006.3, residues 386-406): KQSWDRVTSR[Leu396Val]FDWHIQLDKS

ClinVar aggregate classification (germline): Uncertain significance. Review status: criteria provided, multiple submitters, no conflicts (2 of 4 stars). 4 submissions from 4 submitters: Uncertain significance (4). Last evaluated 2024-05-21.

Conditions:
Autosomal recessive ataxia, Beauce type. Also called: Spinocerebellar ataxia, autosomal recessive 8; ATAXIA, RECESSIVE, OF BEAUCE; SYNE1 Deficiency; SYNE1-Related Autosomal Recessive Cerebellar Ataxia. Identifiers: Orphanet 88644, MedGen C1853116, MONDO:0012549, OMIM 610743.
Emery-Dreifuss muscular dystrophy 4, autosomal dominant (EDMD4). Also called: EMERY-DREIFUSS MUSCULAR DYSTROPHY 4 WITH VARIABLE FEATURES. Identifiers: Orphanet 261, MedGen C2751807, MONDO:0013071, OMIM 612998.

Allele frequency attached by ClinVar (database versions not stated): gnomAD exomes 0.00001 and 0.00003; ExAC 0.00003; ESP Exome Variant Server 0.00008; gnomAD 0.00016 and 0.00018; TOPMed 0.00017.
gnomAD v4.1: 36 of 1,613,832 alleles (0.0022%); highest among the groups gnomAD compares: African/African-American, 0.047%; no homozygotes.

Submissions (4):

Athena Diagnostics
Classification: Uncertain significance. Last evaluated: 2024-05-21. Review status: criteria provided, single submitter. Criteria: Athena Diagnostics Criteria. Collection method: clinical testing. Allele origin: unknown.
Comment: Available data are insufficient to determine the clinical significance of the variant at this time. The frequency of this variant in the general population is higher than would generally be expected for pathogenic variants in this gene. Polyphen and MutationTaster predict this amino acid change may be benign.

Labcorp Genetics (formerly Invitae), Labcorp
Classification: Uncertain significance for Emery-Dreifuss muscular dystrophy 4, autosomal dominant; Autosomal recessive ataxia, Beauce type. Last evaluated: 2023-05-15. Review status: criteria provided, single submitter. Criteria: Invitae Variant Classification Sherloc (09022015). Collection method: clinical testing. Allele origin: germline.
Comment: This variant is present in population databases (rs138350962, gnomAD 0.05%). In summary, the available evidence is currently insufficient to determine the role of this variant in disease. Therefore, it has been classified as a Variant of Uncertain Significance. Algorithms developed to predict the effect of sequence changes on RNA splicing suggest that this variant may disrupt the consensus splice site. An algorithm developed to predict the effect of missense changes on protein structure and function (PolyPhen-2) suggests that this variant is likely to be disruptive. ClinVar contains an entry for this variant (Variation ID: 290181). This variant has not been reported in the literature in individuals affected with SYNE1-related conditions. This sequence change replaces leucine, which is neutral and non-polar, with valine, which is neutral and non-polar, at codon 403 of the SYNE1 protein (p.Leu403Val).

Revvity Omics, Revvity
Classification: Uncertain significance. Last evaluated: 2020-09-08. Review status: criteria provided, single submitter. Criteria: ACMG Guidelines, 2015. Collection method: clinical testing. Allele origin: germline.

Eurofins Ntd Llc (ga)
Classification: Uncertain significance. Last evaluated: 2016-08-09. Review status: criteria provided, single submitter. Criteria: EGL Classification Definitions 2015. Collection method: clinical testing. Allele origin: germline. Observed: 1 variant allele, 1 heterozygote.